The following is an entry in ClinVar:

ClinVar aggregate classification (germline): Uncertain significance (1 of 4 stars; one submission).

Submission:

Labcorp Genetics (formerly Invitae), Labcorp
Classification: Uncertain significance. Last evaluated: 2024-09-23. Review status: criteria provided, single submitter. Criteria: Invitae Variant Classification Sherloc (09022015). Collection method: clinical testing. Allele origin: germline.
Comment: This sequence change replaces aspartic acid, which is acidic and polar, with tyrosine, which is neutral and polar, at codon 28 of the RASA2 protein (p.Asp28Tyr). This variant is not present in population databases (gnomAD no frequency). This variant has not been reported in the literature in individuals affected with RASA2-related conditions. An algorithm developed to predict the effect of missense changes on protein structure and function (PolyPhen-2) suggests that this variant is likely to be tolerated. In summary, the available evidence is currently insufficient to determine the role of this variant in disease. Therefore, it has been classified as a Variant of Uncertain Significance.

NM_006506.5(RASA2):c.82G>T (p.Asp28Tyr)

Genes: RASA2 (RAS p21 protein activator 2; plus strand), LOC129937686 (ATAC-STARR-seq lymphoblastoid silent region 14777; plus strand). Cytogenetic location: 3q23.
Variant type: single nucleotide variant.
Coding change: c.82G>T on transcript NM_006506.5 (MANE Select); coding-DNA position 82, G replaced by T.
Protein change: p.Asp28Tyr; replaces aspartic acid 28 with tyrosine.
Molecular consequence: missense variant.
Genome position (GRCh38, 1-based): chr3:141,487,165, G>T. VCF-style: chr3-141487165-G-T. GRCh37 (hg19) VCF-style: chr3-141206007-G-T.
Other names: c.82G>T, p.Asp28Tyr (NM_001303245.3, NM_001303246.3); short protein forms D28Y.
Identifiers: ClinVar variation 3615744 (VCV003615744.2).